The following is an entry in ClinVar:

ClinVar aggregate classification (germline): Pathogenic. Review status: criteria provided, multiple submitters, no conflicts (2 of 4 stars). 7 submissions from 7 submitters: Pathogenic (6). 1 of the submissions does not count toward it. Last evaluated 2025-01-21.

Conditions:
Hereditary cancer-predisposing syndrome. Also called: Neoplastic Syndromes, Hereditary; Tumor predisposition; Hereditary Cancer Syndrome; Hereditary neoplastic syndrome. Identifiers: Orphanet 140162, MedGen C0027672, MeSH D009386, MONDO:0015356.
Tuberous sclerosis syndrome (TSC). Also called: Tuberous Sclerosis Complex; Tuberous sclerosis. Identifiers: Orphanet 805, MedGen C0041341, MONDO:0001734.
Tuberous sclerosis 2 (TSC2). Identifiers: Orphanet 805, MedGen C1860707, MONDO:0013199, OMIM 613254.

Submissions (7):

Ambry Genetics
Classification: Pathogenic for Hereditary cancer-predisposing syndrome. Last evaluated: 2025-01-21. Review status: criteria provided, single submitter. Criteria: Ambry Variant Classification Scheme 2023. Collection method: clinical testing. Allele origin: germline.
Comment: The c.3791delC pathogenic mutation, located in coding exon 30 of the TSC2 gene, results from a deletion of one nucleotide at nucleotide position 3791, causing a translational frameshift with a predicted alternate stop codon (p.P1264Lfs*61). This variant was reported in an individual with features consistent with tuberous sclerosis complex (Togi S et al. Int J Mol Sci, 2022 Sep;23:). This variant is considered to be rare based on population cohorts in the Genome Aggregation Database (gnomAD). This alteration is expected to result in loss of function by premature protein truncation or nonsense-mediated mRNA decay. As such, this alteration is interpreted as a disease-causing mutation.

Labcorp Genetics (formerly Invitae), Labcorp
Classification: Pathogenic for Tuberous sclerosis 2. Last evaluated: 2023-09-13. Review status: criteria provided, single submitter. Criteria: Invitae Variant Classification Sherloc (09022015). Collection method: clinical testing. Allele origin: germline.
Comment: This sequence change creates a premature translational stop signal (p.Pro1264Leufs*61) in the TSC2 gene. It is expected to result in an absent or disrupted protein product. Loss-of-function variants in TSC2 are known to be pathogenic (PMID: 10205261, 17304050). This variant is not present in population databases (gnomAD no frequency). This variant has not been reported in the literature in individuals affected with TSC2-related conditions. ClinVar contains an entry for this variant (Variation ID: 49568). For these reasons, this variant has been classified as Pathogenic.

Division of Genomic Medicine, Department of Advanced Medicine, Medical Research Institute, Kanazawa Medical University
Classification: Pathogenic for Tuberous sclerosis 2. Last evaluated: 2022-07-17. Review status: criteria provided, single submitter. Criteria: ACMG Guidelines, 2015. Collection method: clinical testing. Allele origin: germline. Affected: yes. Observed: 1 variant allele.

Genome-Nilou Lab
Classification: Pathogenic for Tuberous sclerosis 2. Last evaluated: 2021-11-07. Review status: criteria provided, single submitter. Criteria: ACMG Guidelines, 2015. Collection method: clinical testing. Allele origin: germline. Affected: no.

GeneDx
Classification: Pathogenic. Last evaluated: 2017-04-25. Review status: criteria provided, single submitter. Criteria: GeneDx Variant Classification (06012015). Collection method: clinical testing. Allele origin: germline. Affected: yes.
Comment: The c.3791delC pathogenic variant in the TSC2 gene has been reported previously in association with TSC (TSC2 LOVD). The deletion causes a frameshift starting with codon Proline 1264, changes this amino acid to a Leucine residue and creates a premature Stop codon at position 61 of the new reading frame, denoted p.Pro1264LeufsX61. This pathogenic variant is predicted to cause loss of normal protein function either through protein truncation or nonsense-mediated mRNA decay. The c.3791delC variant is not observed in large population cohorts (Lek et al., 2016; 1000 Genomes Consortium et al., 2015; Exome Variant Server).

Athena Diagnostics
Classification: Pathogenic. Last evaluated: 2016-09-21. Review status: criteria provided, single submitter. Criteria: Athena Diagnostics Criteria. Collection method: clinical testing. Allele origin: germline.

Tuberous sclerosis database (TSC2)
No classification provided. Condition: TSC. Review status: no classification provided. Criteria: Tuberous Sclerosis Database Assertion Criteria 2015. Collection method: curation. Allele origin: germline. Affected: yes. Not counted in ClinVar's aggregate classification.

Literature cited by the submitters: PubMed 36232477 (cited by Ambry Genetics); PubMed 10205261 (cited by Labcorp Genetics (formerly Invitae), Labcorp); PubMed 17304050 (cited by Labcorp Genetics (formerly Invitae), Labcorp).

NM_000548.5(TSC2):c.3791del (p.Pro1264fs)

Gene: TSC2 (TSC complex subunit 2; plus strand). Cytogenetic location: 16p13.3.
Variant type: Deletion.
Coding change: c.3791del on transcript NM_000548.5 (MANE Select); coding-DNA position 3791, one base deleted (C; older notation c.3791delC).
Protein change: p.Pro1264fs; shifts the reading frame from proline 1264.
Molecular consequence: frameshift variant.
Genome position (GRCh38, 1-based): chr16:2,081,775, C deleted; the last of 5 consecutive C bases (chr16:2,081,771-2,081,775); deleting any one gives the same sequence. VCF-style (leftmost placement, unchanged base first): chr16-2081770-AC-A. GRCh37 (hg19) VCF-style: chr16-2131771-AC-A.
Other names: c.3659del, p.Pro1220fs (NM_001077183.3, NM_001370404.1); c.3791del, p.Pro1264fs (NM_001114382.3); c.3551del, p.Pro1184fs (NM_001318827.2); c.3515del, p.Pro1172fs (NM_001318829.2); c.3059del, p.Pro1020fs (NM_001318831.2); c.3692del, p.Pro1231fs (NM_001318832.2); c.3662del, p.Pro1221fs (NM_001363528.2, NM_001370405.1, NM_021055.3); short protein forms P1221fs, P1020fs, P1172fs, P1220fs, P1184fs, P1231fs, P1264fs.
Identifiers: ClinVar variation 49568 (VCV000049568.12), dbSNP rs137854001, ClinGen allele CA019548.